The following is an entry in ClinVar:

NM_000535.7(PMS2):c.2586C>G (p.Asn862Lys)

Gene: PMS2 (PMS1 homolog 2, mismatch repair system component; minus strand). Cytogenetic location: 7p22.1.
Variant type: single nucleotide variant.
Coding change: c.2586C>G on transcript NM_000535.7 (MANE Select); coding-DNA position 2586, C replaced by G.
Protein change: p.Asn862Lys; replaces asparagine 862 with lysine.
Molecular consequence: missense variant. On other transcripts: non-coding transcript variant (1).
Genome position (GRCh38, 1-based): chr7:5,973,402, G>C on the plus strand (C>G on the coding strand, the complement: PMS2 is on the minus strand). VCF-style: chr7-5973402-G-C. GRCh37 (hg19) VCF-style: chr7-6013033-G-C.
Other names: c.2181C>G, p.Asn727Lys (NM_001322003.2, NM_001322004.2, NM_001322005.2); c.2430C>G, p.Asn810Lys (NM_001322006.2); c.2268C>G, p.Asn756Lys (NM_001322007.2, NM_001322008.2); c.2214C>G, p.Asn738Lys (NM_001322009.2); c.2025C>G, p.Asn675Lys (NM_001322010.2); c.1653C>G, p.Asn551Lys (NM_001322011.2, NM_001322012.2); c.2013C>G, p.Asn671Lys (NM_001322013.2); c.2619C>G, p.Asn873Lys (NM_001322014.2); and 1 more; short protein forms N862K, N671K, N738K, N759K, N873K, N551K, N675K, N810K.
Identifiers: ClinVar variation 484317 (VCV000484317.6), dbSNP rs1554292691, ClinGen allele CA366734682.

ClinVar aggregate classification (germline): Uncertain significance (1 of 4 stars; one submission).

Conditions:
Hereditary cancer-predisposing syndrome. Also called: Neoplastic Syndromes, Hereditary; Tumor predisposition; Hereditary Cancer Syndrome; Hereditary neoplastic syndrome. Identifiers: Orphanet 140162, MedGen C0027672, MeSH D009386, MONDO:0015356.

Submission:

Ambry Genetics
Classification: Uncertain significance for Hereditary cancer-predisposing syndrome. Last evaluated: 2025-09-11. Review status: criteria provided, single submitter. Criteria: Ambry Variant Classification Scheme 2023. Collection method: clinical testing. Allele origin: germline.
Comment: The p.N862K variant (also known as c.2586C>G), located in coding exon 15 of the PMS2 gene, results from a C to G substitution at nucleotide position 2586. The asparagine at codon 862 is replaced by lysine, an amino acid with similar properties. This amino acid position is not well conserved in available vertebrate species. In addition, this alteration is predicted to be tolerated by in silico analysis. Based on the available evidence, the clinical significance of this variant remains unclear.